The following is an entry in ClinVar:

NM_001466.4(FZD2):c.546C>T (p.Gly182=)

Gene: FZD2 (frizzled class receptor 2; plus strand). Cytogenetic location: 17q21.31.
Variant type: single nucleotide variant.
Coding change: c.546C>T on transcript NM_001466.4 (MANE Select); coding-DNA position 546, C replaced by T.
Protein change: p.Gly182=; no amino-acid change (glycine 182 retained).
Molecular consequence: synonymous variant.
Genome position (GRCh38, 1-based): chr17:44,558,234, C>T. VCF-style: chr17-44558234-C-T. GRCh37 (hg19) VCF-style: chr17-42635602-C-T.
Identifiers: ClinVar variation 3056431 (VCV003056431.2), dbSNP rs2544583910, ClinGen allele CA500627129.

ClinVar aggregate classification (germline): Likely benign (0 of 4 stars; one submission).

Conditions:
FZD2-related disorder. Also called: FZD2-related condition.

Allele frequency attached by ClinVar (database versions not stated): gnomAD exomes below 0.00001.

Submission:

PreventionGenetics, part of Exact Sciences
Classification: Likely benign for FZD2-related condition. Last evaluated: 2019-04-30. Review status: no assertion criteria provided. Collection method: clinical testing. Allele origin: germline.
Comment: This variant is classified as likely benign based on ACMG/AMP sequence variant interpretation guidelines (Richards et al. 2015 PMID: 25741868, with internal and published modifications).